The following is an entry in ClinVar:

ClinVar aggregate classification (germline): Benign/Likely benign. Review status: criteria provided, multiple submitters, no conflicts (2 of 4 stars). 5 submissions from 5 submitters: Benign (3); Likely benign (2). Last evaluated 2026-01-20.

Conditions:
Cardiovascular phenotype. Identifiers: MedGen CN230736.
Long QT syndrome (LQTS). Identifiers: MedGen C0023976, MeSH D008133, MONDO:0002442. Disease mechanism: loss of function. Inheritance: Various modes of inheritance.
Long QT syndrome 12 (LQT12). Identifiers: Orphanet 101016, Orphanet 768, MedGen C2751830, MONDO:0013062, OMIM 612955.

Allele frequency attached by ClinVar (database versions not stated): gnomAD 0.00113 and 0.00121; TOPMed 0.00073; ESP Exome Variant Server 0.00085; ExAC 0.00111.

Submissions (5):

Labcorp Genetics (formerly Invitae), Labcorp
Classification: Benign for Long QT syndrome. Last evaluated: 2026-01-20. Review status: criteria provided, single submitter. Criteria: Invitae Variant Classification Sherloc (09022015). Collection method: clinical testing. Allele origin: germline.

Women's Health and Genetics/Laboratory Corporation of America, LabCorp
Classification: Benign. Last evaluated: 2021-07-03. Review status: criteria provided, single submitter. Criteria: LabCorp Variant Classification Summary - May 2015. Collection method: clinical testing. Allele origin: germline.

Illumina Laboratory Services, Illumina
Classification: Likely benign for Long QT syndrome 12. Last evaluated: 2018-01-12. Review status: criteria provided, single submitter. Criteria: ICSL Variant Classification Criteria 13 December 2019. Collection method: clinical testing. Allele origin: germline.
Comment: This variant was observed in the ICSL laboratory as part of a predisposition screen in an ostensibly healthy population. It had not been previously curated by ICSL or reported in the Human Gene Mutation Database (HGMD: prior to June 1st, 2018), and was therefore a candidate for classification through an automated scoring system. Utilizing variant allele frequency, disease prevalence and penetrance estimates, and inheritance mode, an automated score was calculated to assess if this variant is too frequent to cause the disease. Based on the score and internal cut-off values, a variant classified as likely benign is not then subjected to further curation. The score for this variant resulted in a classification of likely benign for this disease.

Ambry Genetics
Classification: Likely benign for Cardiovascular phenotype. Last evaluated: 2016-01-25. Review status: criteria provided, single submitter. Criteria: Ambry Variant Classification Scheme 2023. Collection method: clinical testing. Allele origin: germline.

GeneDx
Classification: Benign. Last evaluated: 2012-05-09. Review status: criteria provided, single submitter. Criteria: GeneDx Variant Classification (06012015). Collection method: clinical testing. Allele origin: germline. Affected: yes.
Comment: This variant is considered likely benign or benign based on one or more of the following criteria: it is a conservative change, it occurs at a poorly conserved position in the protein, it is predicted to be benign by multiple in silico algorithms, and/or has population frequency not consistent with disease.

NM_003098.3(SNTA1):c.984C>T (p.Pro328=)

Gene: SNTA1 (syntrophin alpha 1; minus strand). Cytogenetic location: 20q11.21.
Variant type: single nucleotide variant.
Coding change: c.984C>T on transcript NM_003098.3 (MANE Select); coding-DNA position 984, C replaced by T.
Protein change: p.Pro328=; no amino-acid change (proline 328 retained).
Molecular consequence: synonymous variant.
Genome position (GRCh38, 1-based): chr20:33,412,352, G>A on the plus strand (C>T on the coding strand, the complement: SNTA1 is on the minus strand). VCF-style: chr20-33412352-G-A. GRCh37 (hg19) VCF-style: chr20-32000158-G-A.
Other names: p.P328P:CCC>CCT.
Identifiers: ClinVar variation 139222 (VCV000139222.20), dbSNP rs138863915, ClinGen allele CA293635.